The following is an entry in ClinVar:

ClinVar aggregate classification (germline): Uncertain significance (1 of 4 stars; one submission).

Conditions:
Hypokalemic periodic paralysis, type 1. Also called: Hypokalemic Periodic Paralysis Type 1 (AD); HypoPP. Identifiers: Orphanet 681, MedGen C3714580, MONDO:0042979, OMIM 170400.
Malignant hyperthermia, susceptibility to, 5 (MHS5). Also called: CACNA1S-Related Malignant Hyperthermia Susceptibility. Identifiers: Orphanet 423, MedGen C1866077, MONDO:0011163, OMIM 601887.

Submission:

Labcorp Genetics (formerly Invitae), Labcorp
Classification: Uncertain significance for Hypokalemic periodic paralysis, type 1; Malignant hyperthermia, susceptibility to, 5. Last evaluated: 2024-02-29. Review status: criteria provided, single submitter. Criteria: Invitae Variant Classification Sherloc (09022015). Collection method: clinical testing. Allele origin: germline.
Comment: This sequence change replaces asparagine, which is neutral and polar, with serine, which is neutral and polar, at codon 1667 of the CACNA1S protein (p.Asn1667Ser). This variant is present in population databases (rs372918904, gnomAD 0.0009%). This variant has not been reported in the literature in individuals affected with CACNA1S-related conditions. Advanced modeling of protein sequence and biophysical properties (such as structural, functional, and spatial information, amino acid conservation, physicochemical variation, residue mobility, and thermodynamic stability) performed at Invitae indicates that this missense variant is not expected to disrupt CACNA1S protein function with a negative predictive value of 95%. In summary, the available evidence is currently insufficient to determine the role of this variant in disease. Therefore, it has been classified as a Variant of Uncertain Significance.

NM_000069.3(CACNA1S):c.5000A>G (p.Asn1667Ser)

Gene: CACNA1S (calcium voltage-gated channel subunit alpha1 S; minus strand). Cytogenetic location: 1q32.1.
Variant type: single nucleotide variant.
Coding change: c.5000A>G on transcript NM_000069.3 (MANE Select); coding-DNA position 5000, A replaced by G.
Protein change: p.Asn1667Ser; replaces asparagine 1667 with serine.
Molecular consequence: missense variant.
Genome position (GRCh38, 1-based): chr1:201,043,329, T>C on the plus strand (A>G on the coding strand, the complement: CACNA1S is on the minus strand). VCF-style: chr1-201043329-T-C. GRCh37 (hg19) VCF-style: chr1-201012457-T-C.
Other names: short protein forms N1667S.
Identifiers: ClinVar variation 3761748 (VCV003761748.2).